The following is an entry in ClinVar:

ClinVar aggregate classification (germline): Conflicting classifications of pathogenicity. Review status: criteria provided, conflicting classifications (1 of 4 stars). 2 submissions from 2 submitters: Likely pathogenic (1); Uncertain significance (1). Last evaluated 2024-02-23.

Conditions:
Abnormal brain morphology. Also called: Abnormality of brain morphology. Identifiers: MedGen C4021085, HP:0012443.
Nephronophthisis 14 (NPHP14). Identifiers: Orphanet 2318, MedGen C3539071, MONDO:0013916, OMIM 614844.

Allele frequency attached by ClinVar (database versions not stated): gnomAD 0.00003; TOPMed 0.00003; gnomAD exomes 0.00006; ExAC 0.00007.
gnomAD v4.1: 27 of 1,614,094 alleles (0.0017%); highest among the groups gnomAD compares: East Asian, 0.0089%; no homozygotes.

Submissions (2):

Labcorp Genetics (formerly Invitae), Labcorp
Classification: Uncertain significance for Nephronophthisis 14. Last evaluated: 2024-02-23. Review status: criteria provided, single submitter. Criteria: Invitae Variant Classification Sherloc (09022015). Collection method: clinical testing. Allele origin: germline.
Comment: This sequence change replaces arginine, which is basic and polar, with histidine, which is basic and polar, at codon 89 of the ZNF423 protein (p.Arg89His). This variant is present in population databases (rs745597535, gnomAD 0.05%). This missense change has been observed in individual(s) with clinical features of Joubert syndrome (PMID: 26539891). ClinVar contains an entry for this variant (Variation ID: 402222). Advanced modeling of protein sequence and biophysical properties (such as structural, functional, and spatial information, amino acid conservation, physicochemical variation, residue mobility, and thermodynamic stability) performed at Invitae indicates that this missense variant is not expected to disrupt ZNF423 protein function with a negative predictive value of 80%. Experimental studies have shown that this missense change does not substantially affect ZNF423 function (PMID: 32925911). In summary, the available evidence is currently insufficient to determine the role of this variant in disease. Therefore, it has been classified as a Variant of Uncertain Significance.

Lupski Lab, Baylor-Hopkins CMG, Baylor College of Medicine
Classification: Likely pathogenic for Abnormal brain morphology. Review status: criteria provided, single submitter. Criteria: Karaca et al. (Neuron 2015). Collection method: research. Allele origin: inherited. Inheritance: Autosomal recessive inheritance. Affected: yes.

Literature cited by the submitters: PubMed 26539891 (cited by Labcorp Genetics (formerly Invitae), Labcorp); PubMed 32925911 (cited by Labcorp Genetics (formerly Invitae), Labcorp).

NM_001379286.1(ZNF423):c.290G>A (p.Arg97His)

Gene: ZNF423 (zinc finger protein 423; minus strand). Cytogenetic location: 16q12.1.
Variant type: single nucleotide variant.
Coding change: c.290G>A on transcript NM_001379286.1 (MANE Select); coding-DNA position 290, G replaced by A.
Protein change: p.Arg97His; replaces arginine 97 with histidine.
Molecular consequence: missense variant.
Genome position (GRCh38, 1-based): chr16:49,730,782, C>T on the plus strand (G>A on the coding strand, the complement: ZNF423 is on the minus strand). VCF-style: chr16-49730782-C-T. GRCh37 (hg19) VCF-style: chr16-49764693-C-T.
Other names: c.86G>A, p.Arg29His (NM_001271620.2); c.266G>A, p.Arg89His (NM_015069.5); short protein forms R29H, R89H, R97H.
Identifiers: ClinVar variation 402222 (VCV000402222.5), dbSNP rs745597535, ClinGen allele CA8046921.